The following is an entry in ClinVar:

ClinVar aggregate classification (germline): Uncertain significance (1 of 4 stars; one submission).

gnomAD v4.1: 25 of 1,613,564 alleles (0.0015%); highest among the groups gnomAD compares: African/African-American, 0.017%; no homozygotes.

Submission:

CeGaT Center for Human Genetics Tuebingen
Classification: Uncertain significance. Last evaluated: 2025-10-01. Review status: criteria provided, single submitter. Criteria: CeGaT Center For Human Genetics Tuebingen Variant Classification Criteria Version 2. Collection method: clinical testing. Allele origin: germline. Affected: yes. Observed: 1 variant allele.
Comment: FHOD3: PM2, BP4

NM_001281740.3(FHOD3):c.2222C>T (p.Pro741Leu)

Gene: FHOD3 (formin homology 2 domain containing 3; plus strand). Cytogenetic location: 18q12.2.
Variant type: single nucleotide variant.
Coding change: c.2222C>T on transcript NM_001281740.3 (MANE Select); coding-DNA position 2222, C replaced by T.
Protein change: p.Pro741Leu; replaces proline 741 with leucine.
Molecular consequence: missense variant.
Genome position (GRCh38, 1-based): chr18:36,693,409, C>T. VCF-style: chr18-36693409-C-T. GRCh37 (hg19) VCF-style: chr18-34273372-C-T.
Other names: c.1646C>T, p.Pro549Leu (NM_001281739.3); c.1697C>T, p.Pro566Leu (NM_025135.5); short protein forms P549L, P566L, P741L.
Identifiers: ClinVar variation 4533769 (VCV004533769.6).
Genomic context (GRCh38, chr18:36,693,409, plus strand): 5'-GCCCCTCATCTTCAGACTCTCAAGAGGCTCTCACGGTGTCTGCCTCCTCCCCAGGAACCC[C>T]TCACCATCCCCAAGGTGAGTACAGGGAGAGTAGAGGGAAAATGAACAGGTTAACATCAGA-3'
Protein context (NP_001268669.1, residues 731-751): LTVSASSPGT[Pro741Leu]HHPQASAGDP